The following is an entry in ClinVar:

ClinVar aggregate classification (germline): Likely benign. Review status: criteria provided, multiple submitters, no conflicts (2 of 4 stars). 2 submissions from 2 submitters: Likely benign (2). Last evaluated 2025-07-03.

Conditions:
Oto-palato-digital syndrome, type II (OPD2). Also called: FACIOPALATOOSSEOUS SYNDROME; OPD II SYNDROME; Otopalatodigital Syndrome Type 2 (FLNA-OPD2); Otopalatodigital Syndrome, Type II. Identifiers: Orphanet 669, Orphanet 90652, MedGen C1844696, MONDO:0010571, OMIM 304120.
Heterotopia, periventricular, X-linked dominant (PVNH1). Also called: PERIVENTRICULAR NODULAR HETEROTOPIA 1; X-linked periventricular heterotopia; PERIVENTRICULAR NODULAR HETEROTOPIA 4; HETEROTOPIA, PERIVENTRICULAR, 1. Identifiers: Orphanet 2149, Orphanet 82004, MedGen C1848213, MONDO:0010233, OMIM 300049.
Frontometaphyseal dysplasia (FMD1). Identifiers: Orphanet 1826, MedGen C0265293, MONDO:0015942.
Melnick-Needles syndrome (MNS). Also called: MELNICK-NEEDLES OSTEODYSPLASTY; OSTEODYSPLASTY OF MELNICK AND NEEDLES; Melnick-Needles Syndrome (FLNA-MNS). Identifiers: Orphanet 2484, MedGen C0025237, MONDO:0010650, OMIM 309350.

Allele frequency attached by ClinVar (database versions not stated): gnomAD exomes below 0.00001 and 0.00001; TOPMed below 0.00001; gnomAD 0.00001; ExAC 0.00002.
gnomAD v4.1: 8 of 1,207,903 alleles (0.00066%); highest among the groups gnomAD compares: South Asian, 0.0053%; no homozygotes.

Submissions (2):

Labcorp Genetics (formerly Invitae), Labcorp
Classification: Likely benign for Oto-palato-digital syndrome, type II; Heterotopia, periventricular, X-linked dominant; Frontometaphyseal dysplasia; Melnick-Needles syndrome. Last evaluated: 2025-07-03. Review status: criteria provided, single submitter. Criteria: Invitae Variant Classification Sherloc (09022015). Collection method: clinical testing. Allele origin: germline.

GeneDx
Classification: Likely benign. Last evaluated: 2016-11-09. Review status: criteria provided, single submitter. Criteria: GeneDx Variant Classification (06012015). Collection method: clinical testing. Allele origin: germline. Affected: yes.
Comment: This variant is considered likely benign or benign based on one or more of the following criteria: it is a conservative change, it occurs at a poorly conserved position in the protein, it is predicted to be benign by multiple in silico algorithms, and/or has population frequency not consistent with disease.

NM_001110556.2(FLNA):c.4474+15G>T

Gene: FLNA (filamin A; minus strand). Cytogenetic location: Xq28.
Variant type: single nucleotide variant.
Coding change: c.4474+15G>T on transcript NM_001110556.2 (MANE Select); 15 bases into the intron after coding-DNA position 4474, G replaced by T.
Molecular consequence: intron variant.
Genome position (GRCh38, 1-based): chrX:154,358,969, C>A on the plus strand (G>T on the coding strand, the complement: FLNA is on the minus strand). VCF-style: chrX-154358969-C-A. GRCh37 (hg19) VCF-style: chrX-153587337-C-A.
Other names: c.4474+15G>T (NM_001456.4).
Identifiers: ClinVar variation 390189 (VCV000390189.9), dbSNP rs782677631, ClinGen allele CA10560526.